The following is an entry in ClinVar:

ClinVar aggregate classification (germline): Likely benign. Review status: criteria provided, multiple submitters, no conflicts (2 of 4 stars). 3 submissions from 3 submitters: Likely benign (3). Last evaluated 2025-06-11.

Conditions:
Familial thoracic aortic aneurysm and aortic dissection (TAAD). Also called: Thoracic aortic aneurysms and dissections. Identifiers: Orphanet 91387, MedGen C4707243, MONDO:0019625.
Oto-palato-digital syndrome, type II (OPD2). Also called: Otopalatodigital Syndrome, Type II; Otopalatodigital Syndrome Type 2 (FLNA-OPD2); FACIOPALATOOSSEOUS SYNDROME; OPD II SYNDROME. Identifiers: Orphanet 669, Orphanet 90652, MedGen C1844696, MONDO:0010571, OMIM 304120.
Heterotopia, periventricular, X-linked dominant (PVNH1). Also called: PERIVENTRICULAR NODULAR HETEROTOPIA 4; HETEROTOPIA, PERIVENTRICULAR, 1; PERIVENTRICULAR NODULAR HETEROTOPIA 1; X-linked periventricular heterotopia. Identifiers: Orphanet 2149, Orphanet 82004, MedGen C1848213, MONDO:0010233, OMIM 300049.
Melnick-Needles syndrome (MNS). Also called: Melnick-Needles Syndrome (FLNA-MNS); MELNICK-NEEDLES OSTEODYSPLASTY; OSTEODYSPLASTY OF MELNICK AND NEEDLES. Identifiers: Orphanet 2484, MedGen C0025237, MONDO:0010650, OMIM 309350.
Frontometaphyseal dysplasia (FMD1). Identifiers: Orphanet 1826, MedGen C0265293, MONDO:0015942.

gnomAD v4.1: 4 of 1,211,557 alleles (0.00033%); highest among the groups gnomAD compares: Non-Finnish European, 0.00034%; no homozygotes.

Submissions (3):

Mayo Clinic Laboratories, Mayo Clinic
Classification: Likely benign. Last evaluated: 2025-06-11. Review status: criteria provided, single submitter. Criteria: ACMG Guidelines, 2015. Collection method: clinical testing. Allele origin: germline. Observed: 1 variant allele.
Comment: BP4, BP7, PM2_supporting

Ambry Genetics
Classification: Likely benign for Familial thoracic aortic aneurysm and aortic dissection. Last evaluated: 2024-08-23. Review status: criteria provided, single submitter. Criteria: Ambry Variant Classification Scheme 2023. Collection method: clinical testing. Allele origin: germline.

Labcorp Genetics (formerly Invitae), Labcorp
Classification: Likely benign for Oto-palato-digital syndrome, type II; Heterotopia, periventricular, X-linked dominant; Frontometaphyseal dysplasia; Melnick-Needles syndrome. Last evaluated: 2022-12-05. Review status: criteria provided, single submitter. Criteria: Invitae Variant Classification Sherloc (09022015). Collection method: clinical testing. Allele origin: germline.

NM_001110556.2(FLNA):c.6081C>G (p.Gly2027=)

Gene: FLNA (filamin A; minus strand). Cytogenetic location: Xq28.
Variant type: single nucleotide variant.
Coding change: c.6081C>G on transcript NM_001110556.2 (MANE Select); coding-DNA position 6081, C replaced by G.
Protein change: p.Gly2027=; no amino-acid change (glycine 2027 retained).
Molecular consequence: synonymous variant.
Genome position (GRCh38, 1-based): chrX:154,353,146, G>C on the plus strand (C>G on the coding strand, the complement: FLNA is on the minus strand). VCF-style: chrX-154353146-G-C. GRCh37 (hg19) VCF-style: chrX-153581514-G-C.
Other names: p.Gly2019=; c.6057C>G, p.Gly2019= (NM_001456.4); c.6057C>G (NM_001456.3).
Identifiers: ClinVar variation 1561081 (VCV001561081.10), dbSNP rs1557176147, ClinGen allele CA519706668.